The following is an entry in ClinVar:

NM_000611.6(CD59):c.98A>C (p.Asn33Thr)

Gene: CD59 (CD59 molecule (CD59 blood group); minus strand). Cytogenetic location: 11p13.
Variant type: single nucleotide variant.
Coding change: c.98A>C on transcript NM_000611.6 (MANE Select); coding-DNA position 98, A replaced by C.
Protein change: p.Asn33Thr; replaces asparagine 33 with threonine.
Molecular consequence: missense variant.
Genome position (GRCh38, 1-based): chr11:33,717,441, T>G on the plus strand (A>C on the coding strand, the complement: CD59 is on the minus strand). VCF-style: chr11-33717441-T-G. GRCh37 (hg19) VCF-style: chr11-33738987-T-G.
Other names: c.98A>C, p.Asn33Thr (NM_203329.3, NM_203330.2, NM_203331.3 and 4 more transcripts); short protein forms N33T.
Identifiers: ClinVar variation 1461375 (VCV001461375.4), dbSNP rs755154716, ClinGen allele CA5940772.

ClinVar aggregate classification (germline): Uncertain significance. Review status: criteria provided, multiple submitters, no conflicts (2 of 4 stars). 2 submissions from 2 submitters: Uncertain significance (2). Last evaluated 2022-12-01.

Conditions:
Inborn genetic diseases. Identifiers: MedGen C0950123, MeSH D030342.

Allele frequency attached by ClinVar (database versions not stated): gnomAD exomes 0.00003; ExAC 0.00004; TOPMed 0.00006; gnomAD 0.00007 and 0.00008.
gnomAD v4.1: 51 of 1,612,808 alleles (0.0032%); highest among the groups gnomAD compares: Non-Finnish European, 0.0038%; no homozygotes.

Submissions (2):

Ambry Genetics
Classification: Uncertain significance for Inborn genetic diseases. Last evaluated: 2022-12-01. Review status: criteria provided, single submitter. Criteria: Ambry Variant Classification Scheme 2023. Collection method: clinical testing. Allele origin: germline.

Labcorp Genetics (formerly Invitae), Labcorp
Classification: Uncertain significance. Last evaluated: 2022-07-28. Review status: criteria provided, single submitter. Criteria: Invitae Variant Classification Sherloc (09022015). Collection method: clinical testing. Allele origin: germline.
Comment: This sequence change replaces asparagine, which is neutral and polar, with threonine, which is neutral and polar, at codon 33 of the CD59 protein (p.Asn33Thr). This variant is present in population databases (rs755154716, gnomAD 0.004%). This variant has not been reported in the literature in individuals affected with CD59-related conditions. ClinVar contains an entry for this variant (Variation ID: 1461375). Algorithms developed to predict the effect of missense changes on protein structure and function (SIFT, PolyPhen-2, Align-GVGD) all suggest that this variant is likely to be tolerated. In summary, the available evidence is currently insufficient to determine the role of this variant in disease. Therefore, it has been classified as a Variant of Uncertain Significance.